The following is an entry in ClinVar:

ClinVar aggregate classification (germline): Uncertain significance (1 of 4 stars; one submission).

gnomAD v4.1: 1 of 1,611,380 alleles (0.000062%); highest among the groups gnomAD compares: Non-Finnish European, 0.000085%; no homozygotes.

Submission:

GeneDx
Classification: Uncertain significance. Last evaluated: 2023-05-28. Review status: criteria provided, single submitter. Criteria: GeneDx Variant Classification Process June 2021. Collection method: clinical testing. Allele origin: germline. Affected: yes.
Comment: Not observed at significant frequency in large population cohorts (gnomAD); In silico analysis supports that this missense variant does not alter protein structure/function; Has not been previously published as pathogenic or benign to our knowledge

NM_001252102.2(KIF21B):c.2853C>A (p.Phe951Leu)

Gene: KIF21B (kinesin family member 21B; minus strand). Cytogenetic location: 1q32.1.
Variant type: single nucleotide variant.
Coding change: c.2853C>A on transcript NM_001252102.2 (MANE Select); coding-DNA position 2853, C replaced by A.
Protein change: p.Phe951Leu; replaces phenylalanine 951 with leucine.
Molecular consequence: missense variant.
Genome position (GRCh38, 1-based): chr1:200,990,315, G>T on the plus strand (C>A on the coding strand, the complement: KIF21B is on the minus strand). VCF-style: chr1-200990315-G-T. GRCh37 (hg19) VCF-style: chr1-200959443-G-T.
Other names: c.2853C>A, p.Phe951Leu (NM_001252100.2, NM_001252103.2, NM_017596.4); short protein forms F951L.
Identifiers: ClinVar variation 3362171 (VCV003362171.1).